The following is an entry in ClinVar:

ClinVar aggregate classification (germline): Uncertain significance (1 of 4 stars; one submission).

Conditions:
Ullrich congenital muscular dystrophy 2 (UCMD2). Identifiers: Orphanet 75840, MedGen C4225314, MONDO:0014654, OMIM 616470.
Bethlem myopathy 2 (BTHLM2). Identifiers: Orphanet 536516, Orphanet 610, MedGen C4225313, MONDO:0034022, OMIM 616471.

Allele frequency attached by ClinVar (database versions not stated): gnomAD exomes below 0.00001 and 0.00001; TOPMed 0.00001.
gnomAD v4.1: 11 of 1,614,162 alleles (0.00068%); highest among the groups gnomAD compares: South Asian, 0.0011%; no homozygotes.

Submission:

Labcorp Genetics (formerly Invitae), Labcorp
Classification: Uncertain significance for Bethlem myopathy 2; Ullrich congenital muscular dystrophy 2. Last evaluated: 2025-11-15. Review status: criteria provided, single submitter. Criteria: Invitae Variant Classification Sherloc (09022015). Collection method: clinical testing. Allele origin: germline.
Comment: This sequence change replaces threonine, which is neutral and polar, with isoleucine, which is neutral and non-polar, at codon 369 of the COL12A1 protein (p.Thr369Ile). This variant is present in population databases (no rsID available, gnomAD 0.0009%). This variant has not been reported in the literature in individuals affected with COL12A1-related conditions. ClinVar contains an entry for this variant (Variation ID: 960119). Invitae Evidence Modeling of protein sequence and biophysical properties (such as structural, functional, and spatial information, amino acid conservation, physicochemical variation, residue mobility, and thermodynamic stability) indicates that this missense variant is not expected to disrupt COL12A1 protein function with a negative predictive value of 80%. In summary, the available evidence is currently insufficient to determine the role of this variant in disease. Therefore, it has been classified as a Variant of Uncertain Significance.

NM_004370.6(COL12A1):c.1106C>T (p.Thr369Ile)

Gene: COL12A1 (collagen type XII alpha 1 chain; minus strand). Cytogenetic location: 6q13.
Variant type: single nucleotide variant.
Coding change: c.1106C>T on transcript NM_004370.6 (MANE Select); coding-DNA position 1106, C replaced by T.
Protein change: p.Thr369Ile; replaces threonine 369 with isoleucine.
Molecular consequence: missense variant. On other transcripts: intron variant (1).
Genome position (GRCh38, 1-based): chr6:75,184,036, G>A on the plus strand (C>T on the coding strand, the complement: COL12A1 is on the minus strand). VCF-style: chr6-75184036-G-A. GRCh37 (hg19) VCF-style: chr6-75893752-G-A.
Other names: c.73+18684C>T (NM_080645.3); short protein forms T369I.
Identifiers: ClinVar variation 960119 (VCV000960119.10), dbSNP rs1253680957, ClinGen allele CA364773616.